The following is an entry in ClinVar:

ClinVar aggregate classification (germline): Uncertain significance (1 of 4 stars; one submission).

Submission:

Labcorp Genetics (formerly Invitae), Labcorp
Classification: Uncertain significance. Last evaluated: 2025-09-04. Review status: criteria provided, single submitter. Criteria: Invitae Variant Classification Sherloc (09022015). Collection method: clinical testing. Allele origin: germline.
Comment: This sequence change replaces phenylalanine, which is neutral and non-polar, with leucine, which is neutral and non-polar, at codon 453 of the MBD4 protein (p.Phe453Leu). This variant is not present in population databases (gnomAD no frequency). This variant has not been reported in the literature in individuals affected with MBD4-related conditions. An algorithm developed to predict the effect of missense changes on protein structure and function (PolyPhen-2) suggests that this variant is likely to be tolerated. In summary, the available evidence is currently insufficient to determine the role of this variant in disease. Therefore, it has been classified as a Variant of Uncertain Significance.

NM_001276270.2(MBD4):c.1341T>A (p.Phe447Leu)

Gene: MBD4 (methyl-CpG binding domain 4, DNA glycosylase; minus strand). Cytogenetic location: 3q21.3.
Variant type: single nucleotide variant.
Coding change: c.1341T>A on transcript NM_001276270.2 (MANE Select); coding-DNA position 1341, T replaced by A.
Protein change: p.Phe447Leu; replaces phenylalanine 447 with leucine.
Molecular consequence: missense variant.
Genome position (GRCh38, 1-based): chr3:129,433,902, A>T on the plus strand (T>A on the coding strand, the complement: MBD4 is on the minus strand). VCF-style: chr3-129433902-A-T. GRCh37 (hg19) VCF-style: chr3-129152745-A-T.
Other names: c.1359T>A, p.Phe453Leu (NM_001276271.2, NM_001276272.2, NM_003925.3); c.405T>A, p.Phe135Leu (NM_001276273.2); short protein forms F135L, F447L, F453L.
Identifiers: ClinVar variation 4808982 (VCV004808982.1).